The following is an entry in ClinVar:

NM_004370.6(COL12A1):c.4777G>C (p.Val1593Leu)

Gene: COL12A1 (collagen type XII alpha 1 chain; minus strand). Cytogenetic location: 6q13.
Variant type: single nucleotide variant.
Coding change: c.4777G>C on transcript NM_004370.6 (MANE Select); coding-DNA position 4777, G replaced by C.
Protein change: p.Val1593Leu; replaces valine 1593 with leucine.
Molecular consequence: missense variant.
Genome position (GRCh38, 1-based): chr6:75,143,302, C>G on the plus strand (G>C on the coding strand, the complement: COL12A1 is on the minus strand). VCF-style: chr6-75143302-C-G. GRCh37 (hg19) VCF-style: chr6-75853018-C-G.
Other names: c.4777G>C, p.Val1593Leu (NM_001424113.1, NM_001424114.1); c.4504G>C, p.Val1502Leu (NM_001424115.1); c.1285G>C, p.Val429Leu (NM_001424116.1, NM_080645.3); short protein forms V1502L, V1593L, V429L.
Identifiers: ClinVar variation 3364605 (VCV003364605.1).

ClinVar aggregate classification (germline): Uncertain significance (1 of 4 stars; one submission).

Submission:

GeneDx
Classification: Uncertain significance. Last evaluated: 2023-11-17. Review status: criteria provided, single submitter. Criteria: GeneDx Variant Classification Process June 2021. Collection method: clinical testing. Allele origin: germline. Affected: yes.
Comment: Not observed at significant frequency in large population cohorts (gnomAD); In silico analysis supports that this missense variant does not alter protein structure/function; Has not been previously published as pathogenic or benign to our knowledge